The following is an entry in ClinVar:

NM_005026.5(PIK3CD):c.1054G>A (p.Glu352Lys)

Genes: PIK3CD (phosphatidylinositol-4,5-bisphosphate 3-kinase catalytic subunit delta; plus strand), LOC126805612 (MED14-independent group 3 enhancer GRCh37_chr1:9778914-9780113; plus strand). Cytogenetic location: 1p36.22.
Variant type: single nucleotide variant.
Coding change: c.1054G>A on transcript NM_005026.5 (MANE Select); coding-DNA position 1054, G replaced by A.
Protein change: p.Glu352Lys; replaces glutamic acid 352 with lysine.
Molecular consequence: missense variant.
Genome position (GRCh38, 1-based): chr1:9,718,727, G>A. VCF-style: chr1-9718727-G-A. GRCh37 (hg19) VCF-style: chr1-9778785-G-A.
Other names: c.1054G>A, p.Glu352Lys (NM_001350234.2); c.967G>A, p.Glu323Lys (NM_001350235.1); short protein forms E352K, E323K.
Identifiers: ClinVar variation 2965948 (VCV002965948.3), dbSNP rs759798937, ClinGen allele CA577084.

ClinVar aggregate classification (germline): Uncertain significance (1 of 4 stars; one submission).

Conditions:
Immunodeficiency 14 (IMD14A). Also called: ACTIVATED PI3K-DELTA SYNDROME 1; p110-DELTA-ACTIVATING MUTATION CAUSING SENESCENT T CELLS, LYMPHADENOPATHY, AND IMMUNODEFICIENCY; Activated PI3K Delta Syndrome Type 1 (APDS1); IMMUNODEFICIENCY 14A WITH LYMPHOPROLIFERATION, AUTOSOMAL DOMINANT. Identifiers: Orphanet 397596, Orphanet 693661, MedGen C5907821, MONDO:0014222, OMIM 615513.

Allele frequency attached by ClinVar (database versions not stated): gnomAD exomes below 0.00001; ExAC 0.00001.
gnomAD v4.1: 4 of 1,607,466 alleles (0.00025%); highest among the groups gnomAD compares: Non-Finnish European, 0.00034%; no homozygotes.

Submission:

Labcorp Genetics (formerly Invitae), Labcorp
Classification: Uncertain significance for Activated PI3K-delta syndrome. Last evaluated: 2025-08-20. Review status: criteria provided, single submitter. Criteria: Invitae Variant Classification Sherloc (09022015). Collection method: clinical testing. Allele origin: germline.
Comment: This sequence change replaces glutamic acid, which is acidic and polar, with lysine, which is basic and polar, at codon 352 of the PIK3CD protein (p.Glu352Lys). The frequency data for this variant in the population databases is considered unreliable, as metrics indicate poor data quality at this position in the gnomAD database. This variant has not been reported in the literature in individuals affected with PIK3CD-related conditions. ClinVar contains an entry for this variant (Variation ID: 2965948). Invitae Evidence Modeling of protein sequence and biophysical properties (such as structural, functional, and spatial information, amino acid conservation, physicochemical variation, residue mobility, and thermodynamic stability) has been performed for this missense variant. However, the output from this modeling did not meet the statistical confidence thresholds required to predict the impact of this variant on PIK3CD protein function. In summary, the available evidence is currently insufficient to determine the role of this variant in disease. Therefore, it has been classified as a Variant of Uncertain Significance.